The following is an entry in ClinVar:

NM_002734.5(PRKAR1A):c.192_193del (p.Gln64fs)

Gene: PRKAR1A (protein kinase cAMP-dependent type I regulatory subunit alpha; plus strand). Cytogenetic location: 17q24.2.
Variant type: Deletion.
Coding change: c.192_193del on transcript NM_002734.5 (MANE Select); coding-DNA positions 192 to 193, 2 bases deleted (GA; older notation c.192_193delGA).
Protein change: p.Gln64fs; shifts the reading frame from glutamine 64.
Molecular consequence: frameshift variant.
Genome position (GRCh38, 1-based): chr17:68,522,770-68,522,771, GA deleted; deleting any 2 consecutive bases within chr17:68,522,769-68,522,771 gives the same sequence; the c. name uses the placement nearest the transcript's 3' end. VCF-style (leftmost placement, unchanged base first): chr17-68522768-CAG-C. GRCh37 (hg19) VCF-style: chr17-66518909-CAG-C.
Other names: c.192_193del, p.Gln64fs (NM_001276289.2, NM_001276290.1, NM_001278433.2 and 4 more transcripts); short protein forms Q64fs.
Identifiers: ClinVar variation 4767251 (VCV004767251.1).

ClinVar aggregate classification (germline): Pathogenic (1 of 4 stars; one submission).

Conditions:
Carney complex, type 1 (CNC1). Also called: CARNEY MYXOMA-ENDOCRINE COMPLEX; CARNEY COMPLEX, TYPE I. Identifiers: Orphanet 1359, MedGen C2607929, MONDO:0008057, OMIM 160980.

Submission:

Labcorp Genetics (formerly Invitae), Labcorp
Classification: Pathogenic for Carney complex, type 1. Last evaluated: 2025-08-18. Review status: criteria provided, single submitter. Criteria: Invitae Variant Classification Sherloc (09022015). Collection method: clinical testing. Allele origin: germline.
Comment: This sequence change creates a premature translational stop signal (p.Gln64Hisfs*17) in the PRKAR1A gene. It is expected to result in an absent or disrupted protein product. Loss-of-function variants in PRKAR1A are known to be pathogenic (PMID: 11115848, 19293268). This variant is not present in population databases (gnomAD no frequency). This variant has not been reported in the literature in individuals affected with PRKAR1A-related conditions. For these reasons, this variant has been classified as Pathogenic.

Literature cited by the submitters: PubMed 11115848; PubMed 19293268.